The following is an entry in ClinVar:

NM_014915.3(ANKRD26):c.4841A>T (p.Asn1614Ile)

Gene: ANKRD26 (ankyrin repeat domain 26; minus strand). Cytogenetic location: 10p12.1.
Variant type: single nucleotide variant.
Coding change: c.4841A>T on transcript NM_014915.3 (MANE Select); coding-DNA position 4841, A replaced by T.
Protein change: p.Asn1614Ile; replaces asparagine 1614 with isoleucine.
Molecular consequence: missense variant.
Genome position (GRCh38, 1-based): chr10:27,012,994, T>A on the plus strand (A>T on the coding strand, the complement: ANKRD26 is on the minus strand). VCF-style: chr10-27012994-T-A. GRCh37 (hg19) VCF-style: chr10-27301923-T-A.
Other names: c.4838A>T, p.Asn1613Ile (NM_001256053.2); short protein forms N1613I, N1614I.
Identifiers: ClinVar variation 5022703 (VCV005022703.1).

ClinVar aggregate classification (germline): Uncertain significance (1 of 4 stars; one submission).

Conditions:
Inborn genetic diseases. Identifiers: MedGen C0950123, MeSH D030342.

Submission:

Ambry Genetics
Classification: Uncertain significance for Inborn genetic diseases. Last evaluated: 2026-07-23. Review status: criteria provided, single submitter. Criteria: Ambry Variant Classification Scheme 2023. Collection method: clinical testing. Allele origin: germline.
Comment: The p.N1614I variant (also known as c.4841A>T), located in coding exon 32 of the ANKRD26 gene, results from an A to T substitution at nucleotide position 4841. The asparagine at codon 1614 is replaced by isoleucine, an amino acid with dissimilar properties. This amino acid position is conserved. In addition, this alteration is predicted to be tolerated by in silico analysis. Based on the available evidence, the clinical significance of this variant remains unclear.